The following is an entry in ClinVar:

ClinVar aggregate classification (germline): Uncertain significance (1 of 4 stars; one submission).

Submission:

GeneDx
Classification: Uncertain significance. Last evaluated: 2023-06-05. Review status: criteria provided, single submitter. Criteria: GeneDx Variant Classification Process June 2021. Collection method: clinical testing. Allele origin: germline. Affected: yes.
Comment: Not observed at significant frequency in large population cohorts (gnomAD); In silico analysis supports that this missense variant has a deleterious effect on protein structure/function; Has not been previously published as pathogenic or benign to our knowledge

NM_012309.5(SHANK2):c.3680T>G (p.Met1227Arg)

Gene: SHANK2 (SH3 and multiple ankyrin repeat domains 2; minus strand). Cytogenetic location: 11q13.3.
Variant type: single nucleotide variant.
Coding change: c.3680T>G on transcript NM_012309.5 (MANE Select); coding-DNA position 3680, T replaced by G.
Protein change: p.Met1227Arg; replaces methionine 1227 with arginine.
Molecular consequence: missense variant.
Genome position (GRCh38, 1-based): chr11:70,486,613, A>C on the plus strand (T>G on the coding strand, the complement: SHANK2 is on the minus strand). VCF-style: chr11-70486613-A-C. GRCh37 (hg19) VCF-style: chr11-70332718-A-C.
Other names: c.2543T>G, p.Met848Arg (NM_001379226.1); c.1916T>G, p.Met639Arg (NM_133266.5); short protein forms M1227R, M639R, M848R.
Identifiers: ClinVar variation 3359475 (VCV003359475.1).